The following is an entry in ClinVar:

ClinVar aggregate classification (germline): Uncertain significance. Review status: criteria provided, multiple submitters, no conflicts (2 of 4 stars). 3 submissions from 3 submitters: Uncertain significance (3). Last evaluated 2026-01-21.

Conditions:
Myofibrillar myopathy 5. Also called: Filaminopathy (type); FILAMINOPATHY, AUTOSOMAL DOMINANT. Identifiers: Orphanet 171445, MedGen C1836050, MONDO:0012289, OMIM 609524.
Distal myopathy with posterior leg and anterior hand involvement. Also called: WILLIAMS DISTAL MYOPATHY. Identifiers: Orphanet 63273, MedGen C3279722, MONDO:0013550, OMIM 614065.
Hypertrophic cardiomyopathy 26. Also called: Cardiomyopathy, familial hypertrophic, 26. Identifiers: Orphanet 75249, MedGen C4310749, MONDO:0014883, OMIM 617047.
FLNC-related disorder. Also called: FLNC-related condition; FLNC-related disorders.
Cardiovascular phenotype. Identifiers: MedGen CN230736.

Submissions (3):

PreventionGenetics, part of Exact Sciences
Classification: Uncertain significance for FLNC-related condition. Last evaluated: 2026-01-21. Review status: criteria provided, single submitter. Criteria: ACMG Guidelines, 2015. Collection method: clinical testing. Allele origin: germline.
Comment: The FLNC c.4309G>A variant is predicted to result in the amino acid substitution p.Val1437Met. To our knowledge, this variant has not been reported in the literature or in a large population database (gnomAD), indicating this variant is rare. At this time, the clinical significance of this variant is uncertain due to the absence of conclusive functional and genetic evidence.

Ambry Genetics
Classification: Uncertain significance for Cardiovascular phenotype. Last evaluated: 2025-07-03. Review status: criteria provided, single submitter. Criteria: Ambry Variant Classification Scheme 2023. Collection method: clinical testing. Allele origin: germline.
Comment: The p.V1437M variant (also known as c.4309G>A), located in coding exon 25 of the FLNC gene, results from a G to A substitution at nucleotide position 4309. The valine at codon 1437 is replaced by methionine, an amino acid with highly similar properties. This amino acid position is highly conserved in available vertebrate species. In addition, this alteration is predicted to be deleterious by in silico analysis. Based on the available evidence, the clinical significance of this variant remains unclear.

Labcorp Genetics (formerly Invitae), Labcorp
Classification: Uncertain significance for Distal myopathy with posterior leg and anterior hand involvement; Myofibrillar myopathy 5; Hypertrophic cardiomyopathy 26. Last evaluated: 2024-09-23. Review status: criteria provided, single submitter. Criteria: Invitae Variant Classification Sherloc (09022015). Collection method: clinical testing. Allele origin: germline.
Comment: This sequence change replaces valine, which is neutral and non-polar, with methionine, which is neutral and non-polar, at codon 1437 of the FLNC protein (p.Val1437Met). This variant is not present in population databases (gnomAD no frequency). This variant has not been reported in the literature in individuals affected with FLNC-related conditions. Invitae Evidence Modeling of protein sequence and biophysical properties (such as structural, functional, and spatial information, amino acid conservation, physicochemical variation, residue mobility, and thermodynamic stability) has been performed for this missense variant. However, the output from this modeling did not meet the statistical confidence thresholds required to predict the impact of this variant on FLNC protein function. In summary, the available evidence is currently insufficient to determine the role of this variant in disease. Therefore, it has been classified as a Variant of Uncertain Significance.

NM_001458.5(FLNC):c.4309G>A (p.Val1437Met)

Gene: FLNC (filamin C; plus strand). Cytogenetic location: 7q32.1.
Variant type: single nucleotide variant.
Coding change: c.4309G>A on transcript NM_001458.5 (MANE Select); coding-DNA position 4309, G replaced by A.
Protein change: p.Val1437Met; replaces valine 1437 with methionine.
Molecular consequence: missense variant.
Genome position (GRCh38, 1-based): chr7:128,847,717, G>A. VCF-style: chr7-128847717-G-A. GRCh37 (hg19) VCF-style: chr7-128487771-G-A.
Other names: c.4309G>A, p.Val1437Met (NM_001127487.2); short protein forms V1437M.
Identifiers: ClinVar variation 3763855 (VCV003763855.4).